The following is an entry in ClinVar:

NC_000023.10:g.(?_32613854)_(32867957_?)del

Gene: DMD (dystrophin; minus strand). Cytogenetic location: Xp21.1.
Variant type: Deletion.
Identifiers: ClinVar variation 2424906 (VCV002424906.4).

ClinVar aggregate classification (germline): Pathogenic (1 of 4 stars; one submission).

Conditions:
Duchenne muscular dystrophy (DMD). Also called: Duchenne Muscular Dystrophy (DMD); MUSCULAR DYSTROPHY, PSEUDOHYPERTROPHIC PROGRESSIVE, DUCHENNE TYPE. Identifiers: Orphanet 98896, MedGen C0013264, MONDO:0010679, OMIM 310200.

Submission:

Labcorp Genetics (formerly Invitae), Labcorp
Classification: Pathogenic for Duchenne muscular dystrophy. Last evaluated: 2022-06-07. Review status: criteria provided, single submitter. Criteria: Invitae Variant Classification Sherloc (09022015). Collection method: clinical testing. Allele origin: germline.
Comment: This variant is a gross deletion of the genomic region encompassing exon(s) 3-13 of the DMD gene. This variant would be expected to be in-frame, preserving the integrity of the reading frame. A similar copy number variant has been observed in individuals with Duchenne and Becker muscular dystrophy (PMID: 7853367, 18974567, 20485447, 21969337). For these reasons, this variant has been classified as Pathogenic.

Literature cited by the submitters: PubMed 7853367; PubMed 18974567; PubMed 20485447; PubMed 21969337.